The following is an entry in ClinVar:

ClinVar aggregate classification (germline): Uncertain significance. Review status: criteria provided, multiple submitters, no conflicts (2 of 4 stars). 2 submissions from 2 submitters: Uncertain significance (2). Last evaluated 2025-06-23.

Conditions:
Menkes kinky-hair syndrome (MNK). Also called: Copper transport disease; Menkes Disease; Classic Menkes Disease. Identifiers: Orphanet 565, MedGen C0022716, MONDO:0010651, OMIM 309400.
Cutis laxa, X-linked (OHS). Also called: EDS IX; Occipital horn syndrome. Identifiers: Orphanet 198, MedGen C0268353, MONDO:0010572, OMIM 304150.
X-linked distal spinal muscular atrophy type 3. Also called: ATP7A-Related Distal Motor Neuropathy; SPINAL MUSCULAR ATROPHY, DISTAL, X-LINKED RECESSIVE; NEURONOPATHY, DISTAL HEREDITARY MOTOR, X-LINKED; NEUROPATHY, DISTAL HEREDITARY MOTOR, X-LINKED. Identifiers: Orphanet 139557, MedGen C1845359, MONDO:0010338, OMIM 300489.

Allele frequency attached by ClinVar (database versions not stated): gnomAD exomes below 0.00001.
gnomAD v4.1: 4 of 1,211,225 alleles (0.00033%); highest among the groups gnomAD compares: Non-Finnish European, 0.00045%; no homozygotes.

Submissions (2):

GeneDx
Classification: Uncertain significance. Last evaluated: 2025-06-23. Review status: criteria provided, single submitter. Criteria: GeneDx Variant Classification Process June 2021. Collection method: clinical testing. Allele origin: germline. Affected: yes.
Comment: Not observed at significant frequency in large population cohorts (gnomAD); In silico analysis suggests that this missense variant does not alter protein structure/function; Has not been previously published as pathogenic or benign to our knowledge

Labcorp Genetics (formerly Invitae), Labcorp
Classification: Uncertain significance for X-linked distal spinal muscular atrophy type 3; Cutis laxa, X-linked; Menkes kinky-hair syndrome. Last evaluated: 2022-12-10. Review status: criteria provided, single submitter. Criteria: Invitae Variant Classification Sherloc (09022015). Collection method: clinical testing. Allele origin: germline.
Comment: Advanced modeling of protein sequence and biophysical properties (such as structural, functional, and spatial information, amino acid conservation, physicochemical variation, residue mobility, and thermodynamic stability) performed at Invitae indicates that this missense variant is not expected to disrupt ATP7A protein function. This variant has not been reported in the literature in individuals affected with ATP7A-related conditions. This variant is not present in population databases (gnomAD no frequency). This sequence change replaces valine, which is neutral and non-polar, with isoleucine, which is neutral and non-polar, at codon 1123 of the ATP7A protein (p.Val1123Ile). In summary, the available evidence is currently insufficient to determine the role of this variant in disease. Therefore, it has been classified as a Variant of Uncertain Significance.

NM_000052.7(ATP7A):c.3367G>A (p.Val1123Ile)

Gene: ATP7A (ATPase copper transporting alpha; plus strand). Cytogenetic location: Xq21.1.
Variant type: single nucleotide variant.
Coding change: c.3367G>A on transcript NM_000052.7 (MANE Select); coding-DNA position 3367, G replaced by A.
Protein change: p.Val1123Ile; replaces valine 1123 with isoleucine.
Molecular consequence: missense variant. On other transcripts: non-coding transcript variant (1).
Genome position (GRCh38, 1-based): chrX:78,033,677, G>A. VCF-style: chrX-78033677-G-A. GRCh37 (hg19) VCF-style: chrX-77289175-G-A.
Other names: c.3367G>A (NM_000052.4); c.3133G>A, p.Val1045Ile (NM_001282224.2); short protein forms V1045I, V1123I.
Identifiers: ClinVar variation 2931086 (VCV002931086.4), dbSNP rs2077995918, ClinGen allele CA413603999.
Genomic context (GRCh38, chrX:78,033,677, plus strand): 5'-GAAACCTTGGGTACCTGCATAGATTTCCAGGTTGTGCCAGGCTGTGGTATTAGCTGTAAA[G>A]TCACCAATATTGAAGGCTTGCTACATAAGAATAACTGGAATATAGAGGACAATAATATTA-3'
Protein context (NP_000043.4, residues 1113-1133): VVPGCGISCK[Val1123Ile]TNIEGLLHKN